The following is an entry in ClinVar:

ClinVar aggregate classification (germline): Conflicting classifications of pathogenicity. Review status: criteria provided, conflicting classifications (1 of 4 stars). 4 submissions from 4 submitters: Uncertain significance (3); Likely benign (1). Last evaluated 2025-08-10.

Conditions:
Hereditary breast ovarian cancer syndrome. Also called: Hereditary breast and ovarian cancer syndrome; Hereditary breast and ovarian cancer; Hereditary breast and ovarian cancer syndrome (HBOC); Breast and ovarian cancer; Hereditary breast and/or ovarian cancer syndrome; BRCA1- and BRCA2-Associated Hereditary Breast and Ovarian Cancer. Identifiers: Orphanet 145, MedGen C0677776, MeSH D061325, MONDO:0003582. Disease mechanism: loss of function.
Hereditary cancer-predisposing syndrome. Also called: Neoplastic Syndromes, Hereditary; Tumor predisposition; Hereditary Cancer Syndrome; Hereditary neoplastic syndrome. Identifiers: Orphanet 140162, MedGen C0027672, MeSH D009386, MONDO:0015356.

gnomAD v4.1: 1 of 1,608,978 alleles (0.000062%); highest among the groups gnomAD compares: Non-Finnish European, 0.000085%; no homozygotes.

Submissions (4):

Ambry Genetics
Classification: Uncertain significance for Hereditary cancer-predisposing syndrome. Last evaluated: 2025-08-10. Review status: criteria provided, single submitter. Criteria: Ambry Variant Classification Scheme 2023. Collection method: clinical testing. Allele origin: germline.
Comment: The p.Q1379H variant (also known as c.4137G>T), located in coding exon 10 of the BRCA2 gene, results from a G to T substitution at nucleotide position 4137. The glutamine at codon 1379 is replaced by histidine, an amino acid with highly similar properties. This alteration was not observed in 7,051 unselected female breast cancer patients and was observed with an allele frequency of 0.00009 in 11,241 female controls of Japanese ancestry (Momozawa Y et al. Nat Commun, 2018 10;9:4083). This amino acid position is not well conserved in available vertebrate species. In addition, this alteration is predicted to be tolerated by in silico analysis. Since supporting evidence is limited at this time, the clinical significance of this alteration remains unclear.

University of Washington Department of Laboratory Medicine, University of Washington
Classification: Likely benign for Hereditary cancer-predisposing syndrome. Last evaluated: 2023-03-23. Review status: criteria provided, single submitter. Criteria: Dines et al. (Genet Med. 2020). Collection method: curation. Allele origin: germline.
Comment: Missense variant in a coldspot region where missense variants are very unlikely to be pathogenic (PMID:31911673).

BRCA2 exon 11 coldspot. Reclassification based on statistical prior probability.

Labcorp Genetics (formerly Invitae), Labcorp
Classification: Uncertain significance for Hereditary breast ovarian cancer syndrome. Last evaluated: 2023-01-06. Review status: criteria provided, single submitter. Criteria: Invitae Variant Classification Sherloc (09022015). Collection method: clinical testing. Allele origin: germline.
Comment: This variant has not been reported in the literature in individuals affected with BRCA2-related conditions. In summary, the available evidence is currently insufficient to determine the role of this variant in disease. Therefore, it has been classified as a Variant of Uncertain Significance. Advanced modeling of protein sequence and biophysical properties (such as structural, functional, and spatial information, amino acid conservation, physicochemical variation, residue mobility, and thermodynamic stability) performed at Invitae indicates that this missense variant is not expected to disrupt BRCA2 protein function. ClinVar contains an entry for this variant (Variation ID: 481555). This variant is not present in population databases (gnomAD no frequency). This sequence change replaces glutamine, which is neutral and polar, with histidine, which is basic and polar, at codon 1379 of the BRCA2 protein (p.Gln1379His).

Color Diagnostics, LLC DBA Color Health
Classification: Uncertain significance for Hereditary cancer-predisposing syndrome. Last evaluated: 2019-06-08. Review status: criteria provided, single submitter. Criteria: ACMG Guidelines, 2015. Collection method: clinical testing. Allele origin: germline.

Literature cited by the submitters: PubMed 30287823 (cited by Ambry Genetics).

NM_000059.4(BRCA2):c.4137G>T (p.Gln1379His)

Gene: BRCA2 (BRCA2 DNA repair associated; plus strand). Cytogenetic location: 13q13.1.
Variant type: single nucleotide variant.
Coding change: c.4137G>T on transcript NM_000059.4 (MANE Select); coding-DNA position 4137, G replaced by T.
Protein change: p.Gln1379His; replaces glutamine 1379 with histidine.
Molecular consequence: missense variant.
Genome position (GRCh38, 1-based): chr13:32,338,492, G>T. VCF-style: chr13-32338492-G-T. GRCh37 (hg19) VCF-style: chr13-32912629-G-T.
Other names: short protein forms Q1379H.
Identifiers: ClinVar variation 481555 (VCV000481555.16), dbSNP rs768918982, ClinGen allele CA387779399.